The following is an entry in ClinVar:

ClinVar aggregate classification (germline): Likely pathogenic (1 of 4 stars; one submission).

Submission:

GeneDx
Classification: Likely pathogenic. Last evaluated: 2023-09-23. Review status: criteria provided, single submitter. Criteria: GeneDx Variant Classification Process June 2021. Collection method: clinical testing. Allele origin: germline. Affected: yes.
Comment: Identified as mosaic in an individual referred for testing at a clinical laboratory; clinical information was not reported (Brewer CJ et al., 2020); Not observed at significant frequency in large population cohorts (gnomAD); This substitution is predicted to be within the Transmembrane segment S2 of the fourth homologous domain; Missense variants in this gene are often considered pathogenic (HGMD); In silico analysis supports that this missense variant has a deleterious effect on protein structure/function; This variant is associated with the following publications: (PMID: 34120799, 32092540)

NM_001330260.2(SCN8A):c.4672A>G (p.Asn1558Asp)

Gene: SCN8A (sodium voltage-gated channel alpha subunit 8; plus strand). Cytogenetic location: 12q13.13.
Variant type: single nucleotide variant.
Coding change: c.4672A>G on transcript NM_001330260.2 (MANE Select); coding-DNA position 4672, A replaced by G.
Protein change: p.Asn1558Asp; replaces asparagine 1558 with aspartic acid.
Molecular consequence: missense variant.
Genome position (GRCh38, 1-based): chr12:51,794,518, A>G. VCF-style: chr12-51794518-A-G. GRCh37 (hg19) VCF-style: chr12-52188302-A-G.
Other names: c.4549A>G, p.Asn1517Asp (NM_001177984.3, NM_001369788.1); c.4672A>G, p.Asn1558Asp (NM_014191.4); short protein forms N1517D, N1558D.
Identifiers: ClinVar variation 3340911 (VCV003340911.1).